The following is an entry in ClinVar:

ClinVar aggregate classification (germline): Uncertain significance (1 of 4 stars; one submission).

gnomAD v4.1: 6 of 1,614,032 alleles (0.00037%); highest among the groups gnomAD compares: African/African-American, 0.0067%; no homozygotes.

Submission:

GeneDx
Classification: Uncertain significance. Last evaluated: 2025-05-05. Review status: criteria provided, single submitter. Criteria: GeneDx Variant Classification Process June 2021. Collection method: clinical testing. Allele origin: germline. Affected: yes.
Comment: In silico analysis supports that this missense variant has a deleterious effect on protein structure/function; Has not been previously published as pathogenic or benign to our knowledge

NM_138691.3(TMC1):c.683C>T (p.Thr228Ile)

Gene: TMC1 (transmembrane channel like 1; plus strand). Cytogenetic location: 9q21.13.
Variant type: single nucleotide variant.
Coding change: c.683C>T on transcript NM_138691.3 (MANE Select); coding-DNA position 683, C replaced by T.
Protein change: p.Thr228Ile; replaces threonine 228 with isoleucine.
Molecular consequence: missense variant.
Genome position (GRCh38, 1-based): chr9:72,754,826, C>T. VCF-style: chr9-72754826-C-T. GRCh37 (hg19) VCF-style: chr9-75369742-C-T.
Other names: short protein forms T228I.
Identifiers: ClinVar variation 4527497 (VCV004527497.1).